The following is an entry in ClinVar:

ClinVar aggregate classification (germline): Uncertain significance (1 of 4 stars; one submission).

Conditions:
Hypertrophic cardiomyopathy. Also called: HYPERTROPHIC MYOCARDIOPATHY. Identifiers: Orphanet 217569, MedGen C0007194, MeSH D002312, MONDO:0005045, HP:0001639.

Submission:

All of Us Research Program, National Institutes of Health
Classification: Uncertain significance for Hypertrophic cardiomyopathy. Last evaluated: 2023-10-06. Review status: criteria provided, single submitter. Criteria: ACMG Guidelines, 2015. Collection method: clinical testing. Allele origin: germline. Inheritance: Autosomal dominant inheritance. Observed: 1 variant allele, 1 heterozygote.
Comment: This missense variant replaces threonine with alanine at codon 24 of the MYL2 protein. Computational prediction suggests that this variant may not impact protein structure and function (internally defined REVEL score threshold <= 0.5, PMID: 27666373). To our knowledge, functional studies have not been reported for this variant. This variant has not been reported in individuals affected with MYL2-related disorders in the literature. This variant has not been identified in the general population by the Genome Aggregation Database (gnomAD). The available evidence is insufficient to determine the role of this variant in disease conclusively. Therefore, this variant is classified as a Variant of Uncertain Significance.

This study involves interpretation of variants in research participants for the purpose of population health screening. Participant phenotype was not available at the time of variant classification. Additional details can be found in publication PMID: 35346344, PMCID: PMC8962531

NM_000432.4(MYL2):c.70A>G (p.Thr24Ala)

Genes: MYL2 (myosin light chain 2; minus strand), LOC114827850 (VISTA enhancer hs2149; plus strand). Cytogenetic location: 12q24.11.
Variant type: single nucleotide variant.
Coding change: c.70A>G on transcript NM_000432.4 (MANE Select); coding-DNA position 70, A replaced by G.
Protein change: p.Thr24Ala; replaces threonine 24 with alanine.
Molecular consequence: missense variant.
Genome position (GRCh38, 1-based): chr12:110,919,127, T>C on the plus strand (A>G on the coding strand, the complement: MYL2 is on the minus strand). VCF-style: chr12-110919127-T-C. GRCh37 (hg19) VCF-style: chr12-111356931-T-C.
Other names: c.70A>G, p.Thr24Ala (NM_001406745.1, NM_001406746.1); c.13A>G, p.Thr5Ala (NM_001406916.1); short protein forms T24A, T5A.
Identifiers: ClinVar variation 3073813 (VCV003073813.1), dbSNP rs2071703872, ClinGen allele CA386700241.
Genomic context (GRCh38, chr12:110,919,127, plus strand): 5'-TTTCCATCCAGGCGGATGATTCAATAGCTGCACCCACCTCCTTAAATTCCTGGATTTGGG[T>C]CTGTTCGAACATGGAGAACACGTTGGAGTTGGCGCCCCCGGCTCTCTTCTTTGCTTTCTT-3'
Protein context (NP_000423.2, residues 14-34): NSNVFSMFEQ[Thr24Ala]QIQEFKEAFT